The following is an entry in ClinVar:

ClinVar aggregate classification (germline): Pathogenic (1 of 4 stars; one submission).

Conditions:
Citrin deficiency. Identifiers: Orphanet 247582, MedGen C1997910, MONDO:0016602.

Allele frequency attached by ClinVar (database versions not stated): gnomAD 0.00001; gnomAD exomes below 0.00001; TOPMed below 0.00001.

Submission:

Labcorp Genetics (formerly Invitae), Labcorp
Classification: Pathogenic for Citrin deficiency. Last evaluated: 2023-05-27. Review status: criteria provided, single submitter. Criteria: Invitae Variant Classification Sherloc (09022015). Collection method: clinical testing. Allele origin: germline.
Comment: For these reasons, this variant has been classified as Pathogenic. This variant has not been reported in the literature in individuals affected with SLC25A13-related conditions. This variant is not present in population databases (gnomAD no frequency). This sequence change creates a premature translational stop signal (p.Ser51Thrfs*11) in the SLC25A13 gene. It is expected to result in an absent or disrupted protein product. Loss-of-function variants in SLC25A13 are known to be pathogenic (PMID: 10369257, 14680984, 27405544).

Literature cited by the submitters: PubMed 10369257; PubMed 14680984; PubMed 27405544.

NM_014251.3(SLC25A13):c.152del (p.Ser51fs)

Gene: SLC25A13 (solute carrier family 25 member 13; minus strand). Cytogenetic location: 7q21.3.
Variant type: Deletion.
Coding change: c.152del on transcript NM_014251.3 (MANE Select); coding-DNA position 152, one base deleted (G; older notation c.152delG).
Protein change: p.Ser51fs; shifts the reading frame from serine 51.
Molecular consequence: frameshift variant. On other transcripts: non-coding transcript variant (1).
Genome position (GRCh38, 1-based): chr7:96,277,256, C deleted on the plus strand (G on the coding strand, the reverse complement: SLC25A13 is on the minus strand). VCF-style (leftmost placement, unchanged base first): chr7-96277255-GC-G. GRCh37 (hg19) VCF-style: chr7-95906567-GC-G.
Other names: c.152del, p.Ser51fs (NM_001160210.2); short protein forms S51fs.
Identifiers: ClinVar variation 2917414 (VCV002917414.3), dbSNP rs1396885141, ClinGen allele CA844220550.